The following is an entry in ClinVar:

ClinVar aggregate classification (germline): Uncertain significance (1 of 4 stars; one submission).

Allele frequency attached by ClinVar (database versions not stated): TOPMed 0.00001.
gnomAD v4.1: 28 of 1,610,464 alleles (0.0017%); highest among the groups gnomAD compares: Middle Eastern, 0.017%; 1 homozygote.

Submission:

Labcorp Genetics (formerly Invitae), Labcorp
Classification: Uncertain significance. Last evaluated: 2024-02-24. Review status: criteria provided, single submitter. Criteria: Invitae Variant Classification Sherloc (09022015). Collection method: clinical testing. Allele origin: germline.
Comment: This sequence change replaces histidine, which is basic and polar, with glutamine, which is neutral and polar, at codon 15 of the IFT88 protein (p.His15Gln). This variant is present in population databases (no rsID available, gnomAD 0.002%). This variant has not been reported in the literature in individuals affected with IFT88-related conditions. ClinVar contains an entry for this variant (Variation ID: 1965773). An algorithm developed to predict the effect of missense changes on protein structure and function (PolyPhen-2) suggests that this variant is likely to be disruptive. In summary, the available evidence is currently insufficient to determine the role of this variant in disease. Therefore, it has been classified as a Variant of Uncertain Significance.

NM_006531.5(IFT88):c.18C>G (p.His6Gln)

Gene: IFT88 (intraflagellar transport 88; plus strand). Cytogenetic location: 13q12.11.
Variant type: single nucleotide variant.
Coding change: c.18C>G on transcript NM_006531.5 (MANE Select); coding-DNA position 18, C replaced by G.
Protein change: p.His6Gln; replaces histidine 6 with glutamine.
Molecular consequence: missense variant. On other transcripts: 5 prime UTR variant (1), non-coding transcript variant (5).
Genome position (GRCh38, 1-based): chr13:20,574,403, C>G. VCF-style: chr13-20574403-C-G. GRCh37 (hg19) VCF-style: chr13-21148542-C-G.
Other names: c.18C>G, p.His6Gln (NM_001318491.2, NM_001353568.2, NM_001353571.2 and 5 more transcripts); c.45C>G, p.His15Gln (NM_001318493.2, NM_001353565.2, NM_001353566.2 and 6 more transcripts); c.-546C>G (NM_001353579.2); short protein forms H15Q, H6Q.
Identifiers: ClinVar variation 1965773 (VCV001965773.5), dbSNP rs981925929, ClinGen allele CA246509234.